The following is an entry in ClinVar:

NM_000069.3(CACNA1S):c.1262T>G (p.Phe421Cys)

Gene: CACNA1S (calcium voltage-gated channel subunit alpha1 S; minus strand). Cytogenetic location: 1q32.1.
Variant type: single nucleotide variant.
Coding change: c.1262T>G on transcript NM_000069.3 (MANE Select); coding-DNA position 1262, T replaced by G.
Protein change: p.Phe421Cys; replaces phenylalanine 421 with cysteine.
Molecular consequence: missense variant.
Genome position (GRCh38, 1-based): chr1:201,083,293, A>C on the plus strand (T>G on the coding strand, the complement: CACNA1S is on the minus strand). VCF-style: chr1-201083293-A-C. GRCh37 (hg19) VCF-style: chr1-201052421-A-C.
Other names: short protein forms F421C.
Identifiers: ClinVar variation 3070437 (VCV003070437.1), dbSNP rs748189916, ClinGen allele CA078101.
Genomic context (GRCh38, chr1:201,083,293, plus strand): 5'-ATGAGAATCACCAGCCAATAGAAGACCTTGGACTTCACGATGTCATGGCACTTCCAGCGA[A>C]AGATGCGGTTCCACTGCCTCCAATGTCGGCTGAGGGAGGGGACAGAGGATGGTCTACAGT-3'
Protein context (NP_000060.2, residues 411-431): IRHWRQWNRI[Phe421Cys]RWKCHDIVKS

ClinVar aggregate classification (germline): Uncertain significance (1 of 4 stars; one submission).

Conditions:
Malignant hyperthermia, susceptibility to, 5 (MHS5). Also called: CACNA1S-Related Malignant Hyperthermia Susceptibility. Identifiers: Orphanet 423, MedGen C1866077, MONDO:0011163, OMIM 601887.

Allele frequency attached by ClinVar (database versions not stated): ExAC 0.00001; gnomAD 0.00001; gnomAD exomes 0.00001.
gnomAD v4.1: 12 of 1,614,114 alleles (0.00074%); highest among the groups gnomAD compares: Non-Finnish European, 0.00093%; no homozygotes.

Submission:

All of Us Research Program, National Institutes of Health
Classification: Uncertain significance for Malignant hyperthermia, susceptibility to, 5. Last evaluated: 2023-12-01. Review status: criteria provided, single submitter. Criteria: ACMG Guidelines, 2015. Collection method: clinical testing. Allele origin: germline. Inheritance: Autosomal dominant inheritance. Observed: 2 variant alleles, 2 heterozygotes.
Comment: This missense variant replaces phenylalanine with cysteine at codon 421 of the CACNA1S protein. Computational prediction is inconclusive regarding the impact of this variant on protein structure and function (internally defined REVEL score threshold 0.5 < inconclusive < 0.7, PMID: 27666373). To our knowledge, functional studies have not been reported for this variant. This variant has not been reported in individuals affected with CACNA1S-related disorders in the literature. This variant has not been identified in the general population by the Genome Aggregation Database (gnomAD). The available evidence is insufficient to determine the role of this variant in disease conclusively. Therefore, this variant is classified as a Variant of Uncertain Significance.

This study involves interpretation of variants in research participants for the purpose of population health screening. Participant phenotype was not available at the time of variant classification. Additional details can be found in publication PMID: 35346344, PMCID: PMC8962531